The following is an entry in ClinVar:

NM_025216.3(WNT10A):c.667C>A (p.Arg223Ser)

Gene: WNT10A (Wnt family member 10A; plus strand). Cytogenetic location: 2q35.
Variant type: single nucleotide variant.
Coding change: c.667C>A on transcript NM_025216.3 (MANE Select); coding-DNA position 667, C replaced by A.
Protein change: p.Arg223Ser; replaces arginine 223 with serine.
Molecular consequence: missense variant.
Genome position (GRCh38, 1-based): chr2:218,890,274, C>A. VCF-style: chr2-218890274-C-A. GRCh37 (hg19) VCF-style: chr2-219754996-C-A.
Other names: short protein forms R223S.
Identifiers: ClinVar variation 3470791 (VCV003470791.3).

ClinVar aggregate classification (germline): Uncertain significance. Review status: criteria provided, multiple submitters, no conflicts (2 of 4 stars). 2 submissions from 2 submitters: Uncertain significance (2). Last evaluated 2024-08-01.

Conditions:
Inborn genetic diseases. Identifiers: MedGen C0950123, MeSH D030342.
Odonto-onycho-dermal dysplasia. Identifiers: Orphanet 2721, MedGen C0796093, MONDO:0009773, OMIM 257980.
Tooth agenesis, selective, 4 (STHAG4). Also called: LATERAL INCISORS, ABSENCE OF; LATERAL INCISORS, PEGGED OR MISSING; SUCCEDANEOUS TEETH, AGENESIS OF; TOOTH AGENESIS, SELECTIVE, 4, WITH OR WITHOUT ECTODERMAL DYSPLASIA. Identifiers: Orphanet 99798, MedGen C1835492, MONDO:0007881, OMIM 150400. Disease mechanism: loss of function.

gnomAD v4.1: 38 of 1,610,964 alleles (0.0024%); highest among the groups gnomAD compares: African/African-American, 0.048%; no homozygotes.

Submissions (2):

Labcorp Genetics (formerly Invitae), Labcorp
Classification: Uncertain significance for Tooth agenesis, selective, 4; Odonto-onycho-dermal dysplasia. Last evaluated: 2024-08-01. Review status: criteria provided, single submitter. Criteria: Invitae Variant Classification Sherloc (09022015). Collection method: clinical testing. Allele origin: germline.
Comment: This sequence change replaces arginine, which is basic and polar, with serine, which is neutral and polar, at codon 223 of the WNT10A protein (p.Arg223Ser). This variant is present in population databases (rs149245953, gnomAD 0.05%). This variant has not been reported in the literature in individuals affected with WNT10A-related conditions. Advanced modeling of protein sequence and biophysical properties (such as structural, functional, and spatial information, amino acid conservation, physicochemical variation, residue mobility, and thermodynamic stability) performed at Invitae indicates that this missense variant is not expected to disrupt WNT10A protein function with a negative predictive value of 80%. In summary, the available evidence is currently insufficient to determine the role of this variant in disease. Therefore, it has been classified as a Variant of Uncertain Significance.

Ambry Genetics
Classification: Uncertain significance for Inborn genetic diseases. Last evaluated: 2024-07-08. Review status: criteria provided, single submitter. Criteria: Ambry Variant Classification Scheme 2023. Collection method: clinical testing. Allele origin: germline.